The following is an entry in ClinVar:

NM_000182.5(HADHA):c.1654dup (p.Ala552fs)

Genes: GAREM2 (GRB2 associated regulator of MAPK1 subtype 2; plus strand), HADHA (hydroxyacyl-CoA dehydrogenase trifunctional multienzyme complex subunit alpha; minus strand). Cytogenetic location: 2p23.3.
Variant type: Duplication.
Coding change: c.1654dup on transcript NM_000182.5 (MANE Select); coding-DNA position 1654, one base duplicated (G; older notation c.1654dupG).
Protein change: p.Ala552fs; shifts the reading frame from alanine 552.
Molecular consequence: frameshift variant.
Genome position (GRCh38, 1-based): chr2:26,194,605, C duplicated on the plus strand (G on the coding strand, the reverse complement: HADHA is on the minus strand). VCF-style (leftmost placement, unchanged base first): chr2-26194604-G-GC. GRCh37 (hg19) VCF-style: chr2-26417473-G-GC.
Other names: short protein forms A552fs.
Identifiers: ClinVar variation 1386792 (VCV001386792.6), dbSNP rs2147753069, ClinGen allele CA2573134470.

ClinVar aggregate classification (germline): Pathogenic (1 of 4 stars; one submission).

Conditions:
Mitochondrial trifunctional protein deficiency. Identifiers: Orphanet 746, MedGen C1969443, MONDO:0012172.
Long chain 3-hydroxyacyl-CoA dehydrogenase deficiency. Also called: Deficiency of long-chain 3-hydroxyacyl-coenzyme A dehydrogenase; LCHAD Deficiency. Identifiers: Orphanet 5, MedGen C3711645, MONDO:0012173, OMIM 609016.

Submission:

Labcorp Genetics (formerly Invitae), Labcorp
Classification: Pathogenic for Mitochondrial trifunctional protein deficiency; Long chain 3-hydroxyacyl-CoA dehydrogenase deficiency. Last evaluated: 2021-07-04. Review status: criteria provided, single submitter. Criteria: Invitae Variant Classification Sherloc (09022015). Collection method: clinical testing. Allele origin: germline.
Comment: This sequence change creates a premature translational stop signal (p.Ala552Glyfs*6) in the HADHA gene. It is expected to result in an absent or disrupted protein product. Loss-of-function variants in HADHA are known to be pathogenic (PMID: 7738175, 21103935, 21549624, 22459206). This variant is not present in population databases (ExAC no frequency). This variant has not been reported in the literature in individuals affected with HADHA-related conditions. For these reasons, this variant has been classified as Pathogenic.

Literature cited by the submitters: PubMed 7738175; PubMed 21103935; PubMed 21549624; PubMed 22459206.